The following is an entry in ClinVar:

ClinVar aggregate classification (germline): Uncertain significance (1 of 4 stars; one submission).

Submission:

Labcorp Genetics (formerly Invitae), Labcorp
Classification: Uncertain significance. Last evaluated: 2025-11-23. Review status: criteria provided, single submitter. Criteria: Invitae Variant Classification Sherloc (09022015). Collection method: clinical testing. Allele origin: germline.
Comment: This sequence change replaces glycine, which is neutral and non-polar, with valine, which is neutral and non-polar, at codon 2769 of the COL7A1 protein (p.Gly2769Val). This variant is not present in population databases (gnomAD no frequency). This variant has not been reported in the literature in individuals affected with COL7A1-related conditions. An algorithm developed to predict the effect of missense changes on protein structure and function (PolyPhen-2) suggests that this variant is likely to be disruptive. This variant disrupts the triple helix domain of COL7A1. Glycine residues within the Gly-Xaa-Yaa repeats of the triple helix domain are required for the structure and stability of fibrillar collagens (PMID: 7695699, 8218237, 19344236), and variants at these glycine residues in COL7A1 are more frequently observed in individuals with disease than in the general population (PMID: 22058051). However, the clinical significance of this observation remains uncertain since only a limited number of affected individuals have been described to date. In summary, the available evidence is currently insufficient to determine the role of this variant in disease. Therefore, it has been classified as a Variant of Uncertain Significance.

Literature cited by the submitters: PubMed 7695699; PubMed 8218237; PubMed 19344236; PubMed 22058051.

NM_000094.4(COL7A1):c.8306G>T (p.Gly2769Val)

Gene: COL7A1 (collagen type VII alpha 1 chain; minus strand). Cytogenetic location: 3p21.31.
Variant type: single nucleotide variant.
Coding change: c.8306G>T on transcript NM_000094.4 (MANE Select); coding-DNA position 8306, G replaced by T.
Protein change: p.Gly2769Val; replaces glycine 2769 with valine.
Molecular consequence: missense variant.
Genome position (GRCh38, 1-based): chr3:48,566,562, C>A on the plus strand (G>T on the coding strand, the complement: COL7A1 is on the minus strand). VCF-style: chr3-48566562-C-A. GRCh37 (hg19) VCF-style: chr3-48603995-C-A.
Other names: short protein forms G2769V.
Identifiers: ClinVar variation 4731033 (VCV004731033.1).